The following is an entry in ClinVar:

NM_002206.3(ITGA7):c.284C>G (p.Pro95Arg)

Gene: ITGA7 (integrin subunit alpha 7; minus strand). Cytogenetic location: 12q13.2.
Variant type: single nucleotide variant.
Coding change: c.284C>G on transcript NM_002206.3 (MANE Select); coding-DNA position 284, C replaced by G.
Protein change: p.Pro95Arg; replaces proline 95 with arginine.
Molecular consequence: missense variant. On other transcripts: 5 prime UTR variant (3), intron variant (1).
Genome position (GRCh38, 1-based): chr12:55,703,101, G>C on the plus strand (C>G on the coding strand, the complement: ITGA7 is on the minus strand). VCF-style: chr12-55703101-G-C. GRCh37 (hg19) VCF-style: chr12-56096885-G-C.
Other names: c.284C>G, p.Pro95Arg (NM_001144996.2, NM_001374465.1, NM_001410977.1 and 6 more transcripts); c.-56C>G (NM_001367993.1, NM_001414035.1); c.-889C>G (NM_001367994.1); c.86-1685C>G (NM_001144997.2); short protein forms P95R.
Identifiers: ClinVar variation 862572 (VCV000862572.8), dbSNP rs143749139, ClinGen allele CA385193830.

ClinVar aggregate classification (germline): Uncertain significance (1 of 4 stars; one submission).

Conditions:
Congenital muscular dystrophy due to integrin alpha-7 deficiency. Also called: Congenital muscular dystrophy with integrin alpha-7 deficiency; Muscular dystrophy, congenital, due to ITGA7 deficiency; MYOPATHY, CONGENITAL, DUE TO INTEGRIN ALPHA-7 DEFICIENCY. Identifiers: Orphanet 34520, MedGen C2750786, MONDO:0013177, OMIM 613204.

Submission:

Labcorp Genetics (formerly Invitae), Labcorp
Classification: Uncertain significance for Congenital muscular dystrophy due to integrin alpha-7 deficiency. Last evaluated: 2023-05-23. Review status: criteria provided, single submitter. Criteria: Invitae Variant Classification Sherloc (09022015). Collection method: clinical testing. Allele origin: germline.
Comment: In summary, the available evidence is currently insufficient to determine the role of this variant in disease. Therefore, it has been classified as a Variant of Uncertain Significance. Advanced modeling of protein sequence and biophysical properties (such as structural, functional, and spatial information, amino acid conservation, physicochemical variation, residue mobility, and thermodynamic stability) performed at Invitae indicates that this missense variant is expected to disrupt ITGA7 protein function. ClinVar contains an entry for this variant (Variation ID: 862572). This variant has not been reported in the literature in individuals affected with ITGA7-related conditions. This variant is not present in population databases (gnomAD no frequency). This sequence change replaces proline, which is neutral and non-polar, with arginine, which is basic and polar, at codon 95 of the ITGA7 protein (p.Pro95Arg).